The following is an entry in ClinVar:

NM_003221.4(TFAP2B):c.613C>T (p.Pro205Ser)

Gene: TFAP2B (transcription factor AP-2 beta; plus strand). Cytogenetic location: 6p12.3.
Variant type: single nucleotide variant.
Coding change: c.613C>T on transcript NM_003221.4 (MANE Select); coding-DNA position 613, C replaced by T.
Protein change: p.Pro205Ser; replaces proline 205 with serine.
Molecular consequence: missense variant.
Genome position (GRCh38, 1-based): chr6:50,836,072, C>T. VCF-style: chr6-50836072-C-T. GRCh37 (hg19) VCF-style: chr6-50803785-C-T.
Other names: short protein forms P205S.
Identifiers: ClinVar variation 1303583 (VCV001303583.3), dbSNP rs149815783, ClinGen allele CA138867597.
Genomic context (GRCh38, chr6:50,836,072, plus strand): 5'-CAGGATCGAAACTTGGTCACCTTTATGGCAATTTTTTCTCTCTTTCTAGTTCCAGTTCCT[C>T]CCAAATCGGTGACTTCTCTAATGATGAATAAAGACGGCTTCCTGGGAGGCATGTCTGTCA-3'
Protein context (NP_003212.2, residues 195-215): QSVIKKVPVP[Pro205Ser]KSVTSLMMNK

ClinVar aggregate classification (germline): Uncertain significance. Review status: criteria provided, multiple submitters, no conflicts (2 of 4 stars). 2 submissions from 2 submitters: Uncertain significance (2). Last evaluated 2024-01-24.

Conditions:
Inborn genetic diseases. Identifiers: MedGen C0950123, MeSH D030342.

Allele frequency attached by ClinVar (database versions not stated): gnomAD 0.00001; gnomAD exomes 0.00001 and 0.00002; TOPMed 0.00001; ESP Exome Variant Server 0.00008.
gnomAD v4.1: 24 of 1,614,006 alleles (0.0015%); highest among the groups gnomAD compares: Middle Eastern, 0.033%; no homozygotes.

Submissions (2):

Ambry Genetics
Classification: Uncertain significance for Inborn genetic diseases. Last evaluated: 2024-01-24. Review status: criteria provided, single submitter. Criteria: Ambry Variant Classification Scheme 2023. Collection method: clinical testing. Allele origin: germline.

GeneDx
Classification: Uncertain significance. Last evaluated: 2020-10-30. Review status: criteria provided, single submitter. Criteria: GeneDx Variant Classification Process June 2021. Collection method: clinical testing. Allele origin: germline. Affected: yes.
Comment: In silico analysis supports that this missense variant does not alter protein structure/function; Has not been previously published as pathogenic or benign to our knowledge